The following is an entry in ClinVar:

ClinVar aggregate classification (germline): Uncertain significance (1 of 4 stars; one submission).

Allele frequency attached by ClinVar (database versions not stated): gnomAD 0.00001.
gnomAD v4.1: 1 of 1,614,026 alleles (0.000062%); highest among the groups gnomAD compares: African/African-American, 0.0013%; no homozygotes.

Submission:

GeneDx
Classification: Uncertain significance. Last evaluated: 2022-12-08. Review status: criteria provided, single submitter. Criteria: GeneDx Variant Classification Process June 2021. Collection method: clinical testing. Allele origin: germline. Affected: yes.
Comment: Not observed at significant frequency in large population cohorts (gnomAD); In silico analysis supports that this missense variant does not alter protein structure/function; Has not been previously published as pathogenic or benign to our knowledge

NM_006231.4(POLE):c.605C>G (p.Thr202Ser)

Gene: POLE (DNA polymerase epsilon, catalytic subunit; minus strand). Cytogenetic location: 12q24.33.
Variant type: single nucleotide variant.
Coding change: c.605C>G on transcript NM_006231.4 (MANE Select); coding-DNA position 605, C replaced by G.
Protein change: p.Thr202Ser; replaces threonine 202 with serine.
Molecular consequence: missense variant.
Genome position (GRCh38, 1-based): chr12:132,677,693, G>C on the plus strand (C>G on the coding strand, the complement: POLE is on the minus strand). VCF-style: chr12-132677693-G-C. GRCh37 (hg19) VCF-style: chr12-133254279-G-C.
Other names: short protein forms T202S.
Identifiers: ClinVar variation 2505049 (VCV002505049.1), dbSNP rs1432402314, ClinGen allele CA387365393.
Genomic context (GRCh38, chr12:132,677,693, plus strand): 5'-CGCATGTCCACAATGTTGTCCAACTGGTCAGCTATCTTCTTAGAGGTTTCCTCTTCATCA[G>C]TAATGACACCGCCCCTCTGCAGAACACTAGGAATTAACAAGAGAGCAACTAACTCAGCTG-3'
Protein context (NP_006222.2, residues 192-212): SSVLQRGGVI[Thr202Ser]DEEETSKKIA